The following is an entry in ClinVar:

NM_001943.5(DSG2):c.1193G>A (p.Ser398Asn)

Gene: DSG2 (desmoglein 2; plus strand). Cytogenetic location: 18q12.1.
Variant type: single nucleotide variant.
Coding change: c.1193G>A on transcript NM_001943.5 (MANE Select); coding-DNA position 1193, G replaced by A.
Protein change: p.Ser398Asn; replaces serine 398 with asparagine.
Molecular consequence: missense variant.
Genome position (GRCh38, 1-based): chr18:31,531,165, G>A. VCF-style: chr18-31531165-G-A. GRCh37 (hg19) VCF-style: chr18-29111128-G-A.
Other names: short protein forms S398N.
Identifiers: ClinVar variation 1171202 (VCV001171202.3), dbSNP rs1481718957, ClinGen allele CA402139108.

ClinVar aggregate classification (germline): Uncertain significance (1 of 4 stars; one submission).

Conditions:
Cardiomyopathy (CMYO). Also called: Cardiomyopathies. Identifiers: Orphanet 167848, MedGen C0878544, MONDO:0004994, HP:0001638. Inheritance: Various modes of inheritance.

Allele frequency attached by ClinVar (database versions not stated): gnomAD exomes 0.00001.
gnomAD v4.1: 5 of 1,614,166 alleles (0.00031%); highest among the groups gnomAD compares: Admixed American, 0.0017%; no homozygotes.

Submission:

Color Diagnostics, LLC DBA Color Health
Classification: Uncertain significance for Cardiomyopathy. Last evaluated: 2024-03-07. Review status: criteria provided, single submitter. Criteria: ACMG Guidelines, 2015. Collection method: clinical testing. Allele origin: germline.
Comment: This missense variant replaces serine with asparagine at codon 398 of the DSG2 protein. Computational prediction suggests that this variant may not impact protein structure and function (internally defined REVEL score threshold <= 0.5, PMID: 27666373). To our knowledge, functional studies have not been reported for this variant. This variant has not been reported in individuals affected with cardiovascular disorders in the literature. This variant has been identified in 2/249424 chromosomes in the general population by the Genome Aggregation Database (gnomAD). The available evidence is insufficient to determine the role of this variant in disease conclusively. Therefore, this variant is classified as a Variant of Uncertain Significance.